The following is an entry in ClinVar:

ClinVar aggregate classification (germline): Uncertain significance (1 of 4 stars; one submission).

Conditions:
Jeune thoracic dystrophy. Also called: Jeune syndrome; Infantile thoracic dystrophy; Thoracic pelvic phalangeal dystrophy; Jeune's syndrome; Chondroectodermal dysplasia-like syndrome; Short-rib thoracic dysplasia. Identifiers: Orphanet 474, MedGen C0265275, MONDO:0018770.

Allele frequency attached by ClinVar (database versions not stated): gnomAD exomes below 0.00001; TOPMed below 0.00001.
gnomAD v4.1: 3 of 1,611,490 alleles (0.00019%); highest among the groups gnomAD compares: South Asian, 0.0011%; no homozygotes.

Submission:

Labcorp Genetics (formerly Invitae), Labcorp
Classification: Uncertain significance for Jeune thoracic dystrophy. Last evaluated: 2019-10-15. Review status: criteria provided, single submitter. Criteria: Invitae Variant Classification Sherloc (09022015). Collection method: clinical testing. Allele origin: germline.
Comment: This sequence change replaces valine with isoleucine at codon 214 of the IFT80 protein (p.Val214Ile). The valine residue is highly conserved and there is a small physicochemical difference between valine and isoleucine. This variant is not present in population databases (ExAC no frequency). This variant has not been reported in the literature in individuals with IFT80-related conditions. Algorithms developed to predict the effect of missense changes on protein structure and function (SIFT, PolyPhen-2, Align-GVGD) all suggest that this variant is likely to be tolerated, but these predictions have not been confirmed by published functional studies and their clinical significance is uncertain. In summary, the available evidence is currently insufficient to determine the role of this variant in disease. Therefore, it has been classified as a Variant of Uncertain Significance.

NM_020800.3(IFT80):c.640G>A (p.Val214Ile)

Genes: IFT80 (intraflagellar transport 80; minus strand), TRIM59-IFT80 (TRIM59-IFT80 readthrough (NMD candidate); minus strand). Cytogenetic location: 3q25.33.
Variant type: single nucleotide variant.
Coding change: c.640G>A on transcript NM_020800.3 (MANE Select); coding-DNA position 640, G replaced by A.
Protein change: p.Val214Ile; replaces valine 214 with isoleucine.
Molecular consequence: missense variant. On other transcripts: non-coding transcript variant (3).
Genome position (GRCh38, 1-based): chr3:160,356,150, C>T on the plus strand (G>A on the coding strand, the complement: IFT80 is on the minus strand). VCF-style: chr3-160356150-C-T. GRCh37 (hg19) VCF-style: chr3-160073938-C-T.
Other names: c.229G>A, p.Val77Ile (NM_001190241.2, NM_001190242.2); short protein forms V214I, V77I.
Identifiers: ClinVar variation 957955 (VCV000957955.9), dbSNP rs1026071746, ClinGen allele CA86564895.